The following is an entry in ClinVar:

ClinVar aggregate classification (germline): Uncertain significance (1 of 4 stars; one submission).

Conditions:
Odonto-onycho-dermal dysplasia. Identifiers: Orphanet 2721, MedGen C0796093, MONDO:0009773, OMIM 257980.
Tooth agenesis, selective, 4 (STHAG4). Also called: SUCCEDANEOUS TEETH, AGENESIS OF; TOOTH AGENESIS, SELECTIVE, 4, WITH OR WITHOUT ECTODERMAL DYSPLASIA; LATERAL INCISORS, ABSENCE OF; LATERAL INCISORS, PEGGED OR MISSING. Identifiers: Orphanet 99798, MedGen C1835492, MONDO:0007881, OMIM 150400. Disease mechanism: loss of function.

gnomAD v4.1: 16 of 1,590,644 alleles (0.001%); highest among the groups gnomAD compares: Non-Finnish European, 0.0013%; no homozygotes.

Submission:

Labcorp Genetics (formerly Invitae), Labcorp
Classification: Uncertain significance for Tooth agenesis, selective, 4; Odonto-onycho-dermal dysplasia. Last evaluated: 2024-12-07. Review status: criteria provided, single submitter. Criteria: Invitae Variant Classification Sherloc (09022015). Collection method: clinical testing. Allele origin: germline.
Comment: This sequence change falls in intron 1 of the WNT10A gene. It does not directly change the encoded amino acid sequence of the WNT10A protein. It affects a nucleotide within the consensus splice site. This variant is present in population databases (rs763909520, gnomAD 0.008%). This variant has not been reported in the literature in individuals affected with WNT10A-related conditions. Variants that disrupt the consensus splice site are a relatively common cause of aberrant splicing (PMID: 17576681, 9536098). Algorithms developed to predict the effect of sequence changes on RNA splicing suggest that this variant is not likely to affect RNA splicing. In summary, the available evidence is currently insufficient to determine the role of this variant in disease. Therefore, it has been classified as a Variant of Uncertain Significance.

Literature cited by the submitters: PubMed 17576681; PubMed 9536098.

NM_025216.3(WNT10A):c.113+3G>A

Gene: WNT10A (Wnt family member 10A; plus strand). Cytogenetic location: 2q35.
Variant type: single nucleotide variant.
Coding change: c.113+3G>A on transcript NM_025216.3 (MANE Select); 3 bases into the intron after coding-DNA position 113, G replaced by A.
Molecular consequence: intron variant.
Genome position (GRCh38, 1-based): chr2:218,881,111, G>A. VCF-style: chr2-218881111-G-A. GRCh37 (hg19) VCF-style: chr2-219745833-G-A.
Identifiers: ClinVar variation 3761174 (VCV003761174.2).